The following is an entry in ClinVar:

NM_152328.5(ADSS1):c.193-5106G>A

Gene: ADSS1 (adenylosuccinate synthase 1; plus strand). Cytogenetic location: 14q32.33.
Variant type: single nucleotide variant.
Coding change: c.193-5106G>A on transcript NM_152328.5 (MANE Select); 5106 bases into the intron before coding-DNA position 193, G replaced by A.
Molecular consequence: intron variant. On other transcripts: 5 prime UTR variant (1), missense variant (1).
Genome position (GRCh38, 1-based): chr14:104,729,914, G>A. VCF-style: chr14-104729914-G-A. GRCh37 (hg19) VCF-style: chr14-105196251-G-A.
Other names: c.-706G>A (NM_001320424.1); c.22G>A, p.Val8Met (NM_199165.2); short protein forms V8M.
Identifiers: ClinVar variation 1681876 (VCV001681876.8), dbSNP rs929550140, ClinGen allele CA391232337.

ClinVar aggregate classification (germline): Uncertain significance (1 of 4 stars; one submission).

Allele frequency attached by ClinVar (database versions not stated): TOPMed 0.00001.

Submission:

Labcorp Genetics (formerly Invitae), Labcorp
Classification: Uncertain significance. Last evaluated: 2022-04-10. Review status: criteria provided, single submitter. Criteria: Invitae Variant Classification Sherloc (09022015). Collection method: clinical testing. Allele origin: germline.
Comment: In summary, the available evidence is currently insufficient to determine the role of this variant in disease. Therefore, it has been classified as a Variant of Uncertain Significance. Experimental studies and prediction algorithms are not available or were not evaluated, and the functional significance of this variant is currently unknown. This variant has not been reported in the literature in individuals affected with ADSSL1-related conditions. This variant is not present in population databases (gnomAD no frequency). This sequence change replaces valine, which is neutral and non-polar, with methionine, which is neutral and non-polar, at codon 8 of the ADSSL1 protein (p.Val8Met).